The following is an entry in ClinVar:

NM_001365276.2(TNXB):c.7774G>A (p.Gly2592Ser)

Gene: TNXB (tenascin XB; minus strand). Cytogenetic location: 6p21.33.
Variant type: single nucleotide variant.
Coding change: c.7774G>A on transcript NM_001365276.2 (MANE Select); coding-DNA position 7774, G replaced by A.
Protein change: p.Gly2592Ser; replaces glycine 2592 with serine.
Molecular consequence: missense variant.
Genome position (GRCh38, 1-based): chr6:32,058,109, C>T on the plus strand (G>A on the coding strand, the complement: TNXB is on the minus strand). VCF-style: chr6-32058109-C-T. GRCh37 (hg19) VCF-style: chr6-32025886-C-T.
Other names: c.7774G>A, p.Gly2592Ser (NM_019105.8); short protein forms G2592S.
Identifiers: ClinVar variation 429394 (VCV000429394.47), dbSNP rs767643312, ClinGen allele CA3734062.

ClinVar aggregate classification (germline): Uncertain significance. Review status: criteria provided, multiple submitters, no conflicts (2 of 4 stars). 5 submissions from 5 submitters: Uncertain significance (4). 1 of the submissions does not count toward it. Last evaluated 2026-09-01.

Conditions:
Cardiovascular phenotype. Identifiers: MedGen CN230736.

Allele frequency attached by ClinVar (database versions not stated): ExAC 0.00001; gnomAD 0.00002; TOPMed 0.00003.
gnomAD v4.1: 38 of 1,612,508 alleles (0.0024%); highest among the groups gnomAD compares: Non-Finnish European, 0.0031%; no homozygotes.

Submissions (5):

CeGaT Center for Human Genetics Tuebingen
Classification: Uncertain significance. Last evaluated: 2026-09-01. Review status: criteria provided, single submitter. Criteria: CeGaT Center For Human Genetics Tuebingen Variant Classification Criteria Version 2. Collection method: clinical testing. Allele origin: germline. Affected: yes. Observed: 2 variant alleles.
Comment: TNXB: PM2

Women's Health and Genetics/Laboratory Corporation of America, LabCorp
Classification: Uncertain significance. Last evaluated: 2026-05-13. Review status: criteria provided, single submitter. Criteria: LabCorp Variant Classification Summary - May 2015. Collection method: clinical testing. Allele origin: germline.
Comment: Variant summary: TNXB c.7774G>A (p.Gly2592Ser) results in a non-conservative amino acid change in the encoded protein sequence. Algorithms developed to predict the effect of missense changes on protein structure and function are either unavailable or do not agree on the potential impact of this missense change. The variant allele was found at a frequency of 1.2e-05 in 246860 control chromosomes. The available data on variant occurrences in the general population are insufficient to allow any conclusion about variant significance. c.7774G>A has been observed in a compound heterozygous individual affected with clinical features Ehlers-Danlos syndrome who was also heterozygous for a variant in COL1A1 (example: Mackenroth_2016). This report does not provide unequivocal conclusions about association of the variant with Ehlers-Danlos syndrome due to tenascin-X deficiency. To our knowledge, no experimental evidence demonstrating an impact on protein function has been reported. The following publication has been ascertained in the context of this evaluation (PMID: 26799614). ClinVar contains an entry for this variant (Variation ID: 429394). Based on the evidence outlined above, the variant was classified as uncertain significance.

GeneDx
Classification: Uncertain significance. Last evaluated: 2023-12-28. Review status: criteria provided, single submitter. Criteria: GeneDx Variant Classification Process June 2021. Collection method: clinical testing. Allele origin: germline. Affected: yes.
Comment: Reported in an individual with severe muscular hypotonia, multiple fractures, and joint hyperflexibility who harbored a second TNXB variant on the opposite allele (in trans); a splice site variant in the COL1A1 gene was also identified in this individual and the mildly affected mother (PMID: 26799614); Not observed at significant frequency in large population cohorts (gnomAD); In silico analysis supports that this missense variant has a deleterious effect on protein structure/function; This variant is associated with the following publications: (PMID: 31218159, 26799614)

Ambry Genetics
Classification: Uncertain significance for Cardiovascular phenotype. Last evaluated: 2023-12-12. Review status: criteria provided, single submitter. Criteria: Ambry Variant Classification Scheme 2023. Collection method: clinical testing. Allele origin: germline.
Comment: The p.G2592S variant (also known as c.7774G>A), located in coding exon 21 of the TNXB gene, results from a G to A substitution at nucleotide position 7774. The glycine at codon 2592 is replaced by serine, an amino acid with similar properties. This alteration was reported along with variants in other cardiac-related genes in a subject with overlapping features of osteogenesis imperfecta (OI) and Ehlers-Danlos syndrome (EDS) (Mackenroth L et al. Am J Med Genet A, 2016 Apr;170A:1080-5). This amino acid position is highly conserved in available vertebrate species. In addition, this alteration is predicted to be tolerated by in silico analysis. Since supporting evidence is limited at this time, the clinical significance of this alteration remains unclear.

Department of Pathology and Laboratory Medicine, Sinai Health System
Classification: Uncertain significance. Review status: no assertion criteria provided. Collection method: clinical testing. Allele origin: unknown. Affected: yes. Study: The Canadian Open Genetics Repository (COGR). Not counted in ClinVar's aggregate classification.
Comment: The variant was identified in dbSNP (ID: rs767643312) and ClinVar (classified as uncertain significance by GeneDx). The variant was identified in control databases in 5 of 278236 chromosomes at a frequency of 0.00001797 (Genome Aggregation Database March 6, 2019, v2.1.1). The variant was observed in the following populations: African in 1 of 23878 chromosomes (freq: 0.000042) and European (non-Finnish) in 4 of 126586 chromosomes (freq: 0.000032), but was not observed in the Latino, Ashkenazi Jewish, East Asian, European (Finnish), Other, or South Asian populations. The p.Gly2592 residue is conserved across mammals and other organisms however four out of five computational analyses (PolyPhen-2, SIFT, AlignGVGD, BLOSUM, MutationTaster) do not suggest a high likelihood of impact to the protein; this information is not predictive enough to rule out pathogenicity. The variant occurs outside of the splicing consensus sequence and three of four in silico or computational prediction software programs (SpliceSiteFinder, MaxEntScan, NNSPLICE, GeneSplicer) predict a greater than 10% difference in splicing. However, this information is not predictive enough to assume pathogenicity. In summary, based on the above information the clinical significance of this variant cannot be determined with certainty at this time. This variant is classified as a variant of uncertain significance.

Literature cited by the submitters: PubMed 26799614 (cited by Women's Health and Genetics/Laboratory Corporation of America, LabCorp and Ambry Genetics).